The following is an entry in ClinVar:

NM_001134407.3(GRIN2A):c.468G>A (p.Thr156=)

Gene: GRIN2A (glutamate ionotropic receptor NMDA type subunit 2A; minus strand). Cytogenetic location: 16p13.2.
Variant type: single nucleotide variant.
Coding change: c.468G>A on transcript NM_001134407.3 (MANE Select); coding-DNA position 468, G replaced by A.
Protein change: p.Thr156=; no amino-acid change (threonine 156 retained).
Molecular consequence: synonymous variant.
Genome position (GRCh38, 1-based): chr16:9,938,498, C>T on the plus strand (G>A on the coding strand, the complement: GRIN2A is on the minus strand). VCF-style: chr16-9938498-C-T. GRCh37 (hg19) VCF-style: chr16-10032355-C-T.
Other names: c.468G>A, p.Thr156= (NM_000833.5, NM_001134408.2).
Identifiers: ClinVar variation 532724 (VCV000532724.10), dbSNP rs773513210, ClinGen allele CA7896943.

ClinVar aggregate classification (germline): Likely benign. Review status: criteria provided, multiple submitters, no conflicts (2 of 4 stars). 2 submissions from 2 submitters: Likely benign (2). Last evaluated 2026-07-01.

Conditions:
Landau-Kleffner syndrome (FESD). Also called: EPILEPSY, FOCAL, WITH SPEECH DISORDER AND WITH OR WITHOUT MENTAL RETARDATION; APHASIA, ACQUIRED, WITH EPILEPSY. Identifiers: Orphanet 1945, Orphanet 725, Orphanet 98818, MedGen C0282512, MONDO:0009509, OMIM 245570.

Allele frequency attached by ClinVar (database versions not stated): ExAC 0.00001; gnomAD 0.00002; TOPMed 0.00003.
gnomAD v4.1: 25 of 1,611,550 alleles (0.0016%); highest among the groups gnomAD compares: Admixed American, 0.0067%; no homozygotes.

Submissions (2):

CeGaT Center for Human Genetics Tuebingen
Classification: Likely benign. Last evaluated: 2026-07-01. Review status: criteria provided, single submitter. Criteria: CeGaT Center For Human Genetics Tuebingen Variant Classification Criteria Version 2. Collection method: clinical testing. Allele origin: germline. Affected: yes. Observed: 1 variant allele.
Comment: GRIN2A: BP4, BP7

Labcorp Genetics (formerly Invitae), Labcorp
Classification: Likely benign for Landau-Kleffner syndrome. Last evaluated: 2025-09-09. Review status: criteria provided, single submitter. Criteria: Invitae Variant Classification Sherloc (09022015). Collection method: clinical testing. Allele origin: germline.